The following is an entry in ClinVar:

ClinVar aggregate classification (germline): Uncertain significance (1 of 4 stars; one submission).

Conditions:
Inborn genetic diseases. Identifiers: MedGen C0950123, MeSH D030342.

Allele frequency attached by ClinVar (database versions not stated): TOPMed 0.00002; ExAC 0.00003; gnomAD 0.00003; gnomAD exomes 0.00003.
gnomAD v4.1: 53 of 1,613,892 alleles (0.0033%); highest among the groups gnomAD compares: Non-Finnish European, 0.0041%; no homozygotes.

Submission:

Ambry Genetics
Classification: Uncertain significance for Inborn genetic diseases. Last evaluated: 2024-02-06. Review status: criteria provided, single submitter. Criteria: Ambry Variant Classification Scheme 2023. Collection method: clinical testing. Allele origin: germline.
Comment: The p.D726H variant (also known as c.2176G>C), located in coding exon 14 of the EPAS1 gene, results from a G to C substitution at nucleotide position 2176. The aspartic acid at codon 726 is replaced by histidine, an amino acid with similar properties. This amino acid position is conserved. In addition, this alteration is predicted to be tolerated by in silico analysis. Since supporting evidence is limited at this time, the clinical significance of this alteration remains unclear.

NM_001430.5(EPAS1):c.2176G>C (p.Asp726His)

Gene: EPAS1 (endothelial PAS domain protein 1; plus strand). Cytogenetic location: 2p21.
Variant type: single nucleotide variant.
Coding change: c.2176G>C on transcript NM_001430.5 (MANE Select); coding-DNA position 2176, G replaced by C.
Protein change: p.Asp726His; replaces aspartic acid 726 with histidine.
Molecular consequence: missense variant.
Genome position (GRCh38, 1-based): chr2:46,381,978, G>C. VCF-style: chr2-46381978-G-C. GRCh37 (hg19) VCF-style: chr2-46609117-G-C.
Other names: short protein forms D726H.
Identifiers: ClinVar variation 1787190 (VCV001787190.2), dbSNP rs773396800, ClinGen allele CA1645256.